The following is an entry in ClinVar:

ClinVar aggregate classification (germline): Uncertain significance (1 of 4 stars; one submission).

Allele frequency attached by ClinVar (database versions not stated): gnomAD exomes below 0.00001; ExAC 0.00002; TOPMed 0.00003; gnomAD 0.00007; ESP Exome Variant Server 0.00008; 1000 Genomes Project 30x 0.00016; 1000 Genomes Project 0.00020.
gnomAD v4.1: 15 of 1,614,078 alleles (0.00093%); highest among the groups gnomAD compares: African/African-American, 0.019%; no homozygotes.

Submission:

GeneDx
Classification: Uncertain significance. Last evaluated: 2023-03-16. Review status: criteria provided, single submitter. Criteria: GeneDx Variant Classification Process June 2021. Collection method: clinical testing. Allele origin: germline. Affected: yes.
Comment: In silico analysis supports that this missense variant does not alter protein structure/function; Has not been previously published as pathogenic or benign to our knowledge

NM_014846.4(WASHC5):c.2998C>T (p.Leu1000Phe)

Gene: WASHC5 (WASH complex subunit 5; minus strand). Cytogenetic location: 8q24.13.
Variant type: single nucleotide variant.
Coding change: c.2998C>T on transcript NM_014846.4 (MANE Select); coding-DNA position 2998, C replaced by T.
Protein change: p.Leu1000Phe; replaces leucine 1000 with phenylalanine.
Molecular consequence: missense variant.
Genome position (GRCh38, 1-based): chr8:125,038,916, G>A on the plus strand (C>T on the coding strand, the complement: WASHC5 is on the minus strand). VCF-style: chr8-125038916-G-A. GRCh37 (hg19) VCF-style: chr8-126051158-G-A.
Other names: c.2554C>T, p.Leu852Phe (NM_001330609.2); short protein forms L1000F, L852F.
Identifiers: ClinVar variation 2579895 (VCV002579895.1), dbSNP rs200191392, ClinGen allele CA4873350.